The following is an entry in ClinVar:

NC_000002.11:g.(?_46844310)_(46844438_46845911)del

Gene: CRIPT (CXXC repeat containing interactor of PDZ3 domain; plus strand). Cytogenetic location: 2p21.
Variant type: Deletion.
Identifiers: ClinVar variation 1704565 (VCV001704565.1).

ClinVar aggregate classification (germline): Likely pathogenic (1 of 4 stars; one submission).

Conditions:
Rothmund-Thomson syndrome type 3. Also called: Short stature with microcephaly and distinctive facies. Identifiers: MedGen C4014339, MONDO:0014347, OMIM 615789.

Submission:

Women's Health and Genetics/Laboratory Corporation of America, LabCorp
Classification: Likely pathogenic for Rothmund-Thomson syndrome type 3. Last evaluated: 2022-07-18. Review status: criteria provided, single submitter. Criteria: LabCorp Variant Classification Summary - May 2015. Collection method: clinical testing. Allele origin: germline.
Comment: Variant summary: The variant identified by MLPA or other technology involves the deletion of exon 1 that contains the canonical translation initiation codon of the CRIPT gene. A presumed nomenclature of c.(?_-112)_(16+1_17-1)del has been designated for the purposes of this classification. Although exact breakpoints of this deletion are not known, it is expected to result in an absent or shortened protein product, a known mechanism of disease. The variant was absent in 21694 control chromosomes (gnomAD structural variants dataset). A variant, described as deletion of exon 1 in the CRIPT gene, has been reported in the literature in a compound heterozygous individual affected with Short Stature with Microcephaly and Distinctive Facies (Leduc_2016, Dharmadhikari_2019). To our knowledge, no experimental evidence demonstrating an impact on protein function has been reported. Two submitters have provided clinical-significance assessments for this variant in ClinVar after 2014 without evidence for independent evaluation, and classified the variant as pathogenic. Based on the evidence outlined above, the variant was classified as likely pathogenic.

Literature cited by the submitters: PubMed 31101064; PubMed 27250922.